The following is an entry in ClinVar:

NM_152618.3(BBS12):c.1590A>G (p.Leu530=)

Gene: BBS12 (Bardet-Biedl syndrome 12; plus strand). Cytogenetic location: 4q27.
Variant type: single nucleotide variant.
Coding change: c.1590A>G on transcript NM_152618.3 (MANE Select); coding-DNA position 1590, A replaced by G.
Protein change: p.Leu530=; no amino-acid change (leucine 530 retained).
Molecular consequence: synonymous variant.
Genome position (GRCh38, 1-based): chr4:122,743,482, A>G. VCF-style: chr4-122743482-A-G. GRCh37 (hg19) VCF-style: chr4-123664637-A-G.
Other names: c.1590A>G, p.Leu530= (NM_001178007.2).
Identifiers: ClinVar variation 347504 (VCV000347504.15), dbSNP rs886059059, ClinGen allele CA10617036.

ClinVar aggregate classification (germline): Conflicting classifications of pathogenicity. Review status: criteria provided, conflicting classifications (1 of 4 stars). 3 submissions from 3 submitters: Uncertain significance (1); Likely benign (1). 1 of the submissions does not count toward it. Last evaluated 2026-01-24.

Conditions:
Bardet-Biedl syndrome (BBS). Identifiers: Orphanet 110, MedGen C0752166, MONDO:0015229.
Bardet-Biedl syndrome 12 (BBS12). Identifiers: Orphanet 110, MedGen C1859570, MONDO:0014440, OMIM 615989.
BBS12-related disorder. Also called: BBS12-related condition.

Allele frequency attached by ClinVar (database versions not stated): gnomAD exomes below 0.00001; gnomAD 0.00001; TOPMed 0.00001.
gnomAD v4.1: 26 of 1,614,148 alleles (0.0016%); highest among the groups gnomAD compares: Non-Finnish European, 0.0021%; no homozygotes.

Submissions (3):

Labcorp Genetics (formerly Invitae), Labcorp
Classification: Likely benign for Bardet-Biedl syndrome. Last evaluated: 2026-01-24. Review status: criteria provided, single submitter. Criteria: Invitae Variant Classification Sherloc (09022015). Collection method: clinical testing. Allele origin: germline.

Illumina Laboratory Services, Illumina
Classification: Uncertain significance for Bardet-Biedl syndrome 12. Last evaluated: 2018-01-13. Review status: criteria provided, single submitter. Criteria: ICSL Variant Classification Criteria 13 December 2019. Collection method: clinical testing. Allele origin: germline.

PreventionGenetics, part of Exact Sciences
Classification: Likely benign for BBS12-related condition. Last evaluated: 2023-10-18. Review status: no assertion criteria provided. Collection method: clinical testing. Allele origin: germline. Not counted in ClinVar's aggregate classification.
Comment: This variant is classified as likely benign based on ACMG/AMP sequence variant interpretation guidelines (Richards et al. 2015 PMID: 25741868, with internal and published modifications).